The following is an entry in ClinVar:

ClinVar aggregate classification (germline): Uncertain significance (1 of 4 stars; one submission).

Allele frequency attached by ClinVar (database versions not stated): TOPMed below 0.00001.
gnomAD v4.1: 4 of 1,614,182 alleles (0.00025%); highest among the groups gnomAD compares: Non-Finnish European, 0.00034%; no homozygotes.

Submission:

Labcorp Genetics (formerly Invitae), Labcorp
Classification: Uncertain significance. Last evaluated: 2022-05-11. Review status: criteria provided, single submitter. Criteria: Invitae Variant Classification Sherloc (09022015). Collection method: clinical testing. Allele origin: germline.
Comment: Algorithms developed to predict the effect of sequence changes on RNA splicing suggest that this variant may create or strengthen a splice site. Algorithms developed to predict the effect of missense changes on protein structure and function are either unavailable or do not agree on the potential impact of this missense change (SIFT: "Deleterious"; PolyPhen-2: "Probably Damaging"; Align-GVGD: "Class C0"). This variant has not been reported in the literature in individuals affected with ATP1A1-related conditions. This variant is not present in population databases (gnomAD no frequency). This sequence change replaces glycine, which is neutral and non-polar, with serine, which is neutral and polar, at codon 525 of the ATP1A1 protein (p.Gly525Ser). In summary, the available evidence is currently insufficient to determine the role of this variant in disease. Therefore, it has been classified as a Variant of Uncertain Significance.

NM_000701.8(ATP1A1):c.1573G>A (p.Gly525Ser)

Genes: ATP1A1 (ATPase Na+/K+ transporting subunit alpha 1; plus strand), ATP1A1-AS1 (ATP1A1 antisense RNA 1; minus strand). Cytogenetic location: 1p13.1.
Variant type: single nucleotide variant.
Coding change: c.1573G>A on transcript NM_000701.8 (MANE Select); coding-DNA position 1573, G replaced by A.
Protein change: p.Gly525Ser; replaces glycine 525 with serine.
Molecular consequence: missense variant.
Genome position (GRCh38, 1-based): chr1:116,393,636, G>A. VCF-style: chr1-116393636-G-A. GRCh37 (hg19) VCF-style: chr1-116936258-G-A.
Other names: c.1573G>A, p.Gly525Ser (NM_001160233.2); c.1480G>A, p.Gly494Ser (NM_001160234.2); short protein forms G494S, G525S.
Identifiers: ClinVar variation 1914599 (VCV001914599.5), dbSNP rs910066930, ClinGen allele CA29661152.